The following is an entry in ClinVar:

NM_006939.4(SOS2):c.3302G>A (p.Ser1101Asn)

Gene: SOS2 (SOS Ras/Rho guanine nucleotide exchange factor 2; minus strand). Cytogenetic location: 14q21.3.
Variant type: single nucleotide variant.
Coding change: c.3302G>A on transcript NM_006939.4 (MANE Select); coding-DNA position 3302, G replaced by A.
Protein change: p.Ser1101Asn; replaces serine 1101 with asparagine.
Molecular consequence: missense variant.
Genome position (GRCh38, 1-based): chr14:50,130,536, C>T on the plus strand (G>A on the coding strand, the complement: SOS2 is on the minus strand). VCF-style: chr14-50130536-C-T. GRCh37 (hg19) VCF-style: chr14-50597254-C-T.
Other names: short protein forms S1101N.
Identifiers: ClinVar variation 917789 (VCV000917789.7), dbSNP rs1419463844, ClinGen allele CA389640406.
Genomic context (GRCh38, chr14:50,130,536, plus strand): 5'-CAAGCGGTTTACATCAAATACTTACCACAGGAGCTGTTGAGATCCACATCTAAAAATACA[C>T]TAAGGTCTGAAGAAGCAGATACTGGTGGAGTAGATGGTGTATTTGGAGAGGTTGGTGCTG-3'
Protein context (NP_008870.2, residues 1091-1111): TPPVSASSDL[Ser1101Asn]VFLDVDLNSS

ClinVar aggregate classification (germline): Uncertain significance. Review status: criteria provided, multiple submitters, no conflicts (2 of 4 stars). 5 submissions from 5 submitters: Uncertain significance (5). Last evaluated 2025-10-30.

Conditions:
Cardiovascular phenotype. Identifiers: MedGen CN230736.
Noonan syndrome 9 (NS9). Identifiers: Orphanet 648, MedGen C4225282, MONDO:0014691, OMIM 616559.

Allele frequency attached by ClinVar (database versions not stated): gnomAD exomes below 0.00001; TOPMed below 0.00001.
gnomAD v4.1: 1 of 1,614,030 alleles (0.000062%); highest among the groups gnomAD compares: Non-Finnish European, 0.000085%; no homozygotes.

Submissions (5):

Ambry Genetics
Classification: Uncertain significance for Cardiovascular phenotype. Last evaluated: 2025-10-30. Review status: criteria provided, single submitter. Criteria: Ambry Variant Classification Scheme 2023. Collection method: clinical testing. Allele origin: germline.

Labcorp Genetics (formerly Invitae), Labcorp
Classification: Uncertain significance for Noonan syndrome 9. Last evaluated: 2025-03-11. Review status: criteria provided, single submitter. Criteria: Invitae Variant Classification Sherloc (09022015). Collection method: clinical testing. Allele origin: germline.
Comment: This sequence change replaces serine, which is neutral and polar, with asparagine, which is neutral and polar, at codon 1101 of the SOS2 protein (p.Ser1101Asn). This variant is not present in population databases (gnomAD no frequency). This variant has not been reported in the literature in individuals affected with SOS2-related conditions. ClinVar contains an entry for this variant (Variation ID: 917789). Invitae Evidence Modeling of protein sequence and biophysical properties (such as structural, functional, and spatial information, amino acid conservation, physicochemical variation, residue mobility, and thermodynamic stability) indicates that this missense variant is not expected to disrupt SOS2 protein function with a negative predictive value of 95%. In summary, the available evidence is currently insufficient to determine the role of this variant in disease. Therefore, it has been classified as a Variant of Uncertain Significance.

GeneDx
Classification: Uncertain significance. Last evaluated: 2022-01-07. Review status: criteria provided, single submitter. Criteria: GeneDx Variant Classification Process June 2021. Collection method: clinical testing. Allele origin: germline. Affected: yes.
Comment: Not observed at significant frequency in large population cohorts (gnomAD); In silico analysis supports that this missense variant does not alter protein structure/function; Has not been previously published as pathogenic or benign to our knowledge

Women's Health and Genetics/Laboratory Corporation of America, LabCorp
Classification: Uncertain significance. Last evaluated: 2020-04-20. Review status: criteria provided, single submitter. Criteria: LabCorp Variant Classification Summary - May 2015. Collection method: clinical testing. Allele origin: germline.
Comment: Variant summary: SOS2 c.3302G>A (p.Ser1101Asn) results in a conservative amino acid change in the encoded protein sequence. Three of five in-silico tools predict a benign effect of the variant on protein function. The variant was absent in 251106 control chromosomes (gnomAD). The available data on variant occurrences in the general population are insufficient to allow any conclusion about variant significance. To our knowledge, no occurrence of c.3302G>A in individuals affected with Noonan Syndrome And Related Conditions and no experimental evidence demonstrating its impact on protein function have been reported. No clinical diagnostic laboratories have submitted clinical-significance assessments for this variant to ClinVar after 2014. Based on the evidence outlined above, the variant was classified as uncertain significance.

Genome-Nilou Lab
Classification: Uncertain significance for Noonan syndrome 9. Review status: criteria provided, single submitter. Criteria: ACMG Guidelines, 2015. Collection method: clinical testing. Allele origin: germline.